The following is an entry in ClinVar:

ClinVar aggregate classification (germline): Uncertain significance (1 of 4 stars; one submission).

Conditions:
Hereditary cancer-predisposing syndrome. Also called: Tumor predisposition; Neoplastic Syndromes, Hereditary; Hereditary Cancer Syndrome; Hereditary neoplastic syndrome. Identifiers: Orphanet 140162, MedGen C0027672, MeSH D009386, MONDO:0015356.

gnomAD v4.1: 2 of 1,613,880 alleles (0.00012%); highest among the groups gnomAD compares: South Asian, 0.0011%; no homozygotes.

Submission:

Ambry Genetics
Classification: Uncertain significance for Hereditary cancer-predisposing syndrome. Last evaluated: 2022-02-12. Review status: criteria provided, single submitter. Criteria: Ambry Variant Classification Scheme 2023. Collection method: clinical testing. Allele origin: germline.
Comment: The p.S105T variant (also known as c.314G>C), located in coding exon 5 of the BAP1 gene, results from a G to C substitution at nucleotide position 314. The serine at codon 105 is replaced by threonine, an amino acid with similar properties. This amino acid position is conserved. In addition, this alteration is predicted to be tolerated by in silico analysis. Since supporting evidence is limited at this time, the clinical significance of this alteration remains unclear.

NM_004656.4(BAP1):c.314G>C (p.Ser105Thr)

Gene: BAP1 (BRCA1 associated deubiquitinase 1; minus strand). Cytogenetic location: 3p21.1.
Variant type: single nucleotide variant.
Coding change: c.314G>C on transcript NM_004656.4 (MANE Select); coding-DNA position 314, G replaced by C.
Protein change: p.Ser105Thr; replaces serine 105 with threonine.
Molecular consequence: missense variant.
Genome position (GRCh38, 1-based): chr3:52,408,019, C>G on the plus strand (G>C on the coding strand, the complement: BAP1 is on the minus strand). VCF-style: chr3-52408019-C-G. GRCh37 (hg19) VCF-style: chr3-52442035-C-G.
Other names: c.314G>C, p.Ser105Thr (NM_001410772.1); short protein forms S105T.
Identifiers: ClinVar variation 1728178 (VCV001728178.2), dbSNP rs1553645941, ClinGen allele CA353112263.